The following is an entry in ClinVar:

NM_006231.4(POLE):c.6215A>G (p.Lys2072Arg)

Gene: POLE (DNA polymerase epsilon, catalytic subunit; minus strand). Cytogenetic location: 12q24.33.
Variant type: single nucleotide variant.
Coding change: c.6215A>G on transcript NM_006231.4 (MANE Select); coding-DNA position 6215, A replaced by G.
Protein change: p.Lys2072Arg; replaces lysine 2072 with arginine.
Molecular consequence: missense variant.
Genome position (GRCh38, 1-based): chr12:132,632,430, T>C on the plus strand (A>G on the coding strand, the complement: POLE is on the minus strand). VCF-style: chr12-132632430-T-C. GRCh37 (hg19) VCF-style: chr12-133209016-T-C.
Other names: c.6215A>G (NM_006231.2); short protein forms K2072R.
Identifiers: ClinVar variation 1463466 (VCV001463466.10), dbSNP rs2138460684, ClinGen allele CA387369669.

ClinVar aggregate classification (germline): Uncertain significance. Review status: criteria provided, multiple submitters, no conflicts (2 of 4 stars). 2 submissions from 2 submitters: Uncertain significance (2). Last evaluated 2025-10-26.

Conditions:
Hereditary cancer-predisposing syndrome. Also called: Tumor predisposition; Hereditary neoplastic syndrome; Hereditary Cancer Syndrome; Neoplastic Syndromes, Hereditary. Identifiers: Orphanet 140162, MedGen C0027672, MeSH D009386, MONDO:0015356.

Submissions (2):

Ambry Genetics
Classification: Uncertain significance for Hereditary cancer-predisposing syndrome. Last evaluated: 2025-10-26. Review status: criteria provided, single submitter. Criteria: Ambry Variant Classification Scheme 2023. Collection method: clinical testing. Allele origin: germline.
Comment: The p.K2072R variant (also known as c.6215A>G), located in coding exon 45 of the POLE gene, results from an A to G substitution at nucleotide position 6215. The lysine at codon 2072 is replaced by arginine, an amino acid with highly similar properties. This amino acid position is conserved. In addition, this alteration is predicted to be tolerated by in silico analysis. Since supporting evidence is limited at this time, the clinical significance of this alteration remains unclear.

Labcorp Genetics (formerly Invitae), Labcorp
Classification: Uncertain significance. Last evaluated: 2021-04-30. Review status: criteria provided, single submitter. Criteria: Invitae Variant Classification Sherloc (09022015). Collection method: clinical testing. Allele origin: germline.
Comment: In summary, the available evidence is currently insufficient to determine the role of this variant in disease. Therefore, it has been classified as a Variant of Uncertain Significance. Algorithms developed to predict the effect of missense changes on protein structure and function output the following: SIFT: "Tolerated"; PolyPhen-2: "Benign"; Align-GVGD: "Class C0". The arginine amino acid residue is found in multiple mammalian species, suggesting that this missense change does not adversely affect protein function. These predictions have not been confirmed by published functional studies and their clinical significance is uncertain. This variant has not been reported in the literature in individuals with POLE-related conditions. This variant is not present in population databases (ExAC no frequency). This sequence change replaces lysine with arginine at codon 2072 of the POLE protein (p.Lys2072Arg). The lysine residue is highly conserved and there is a small physicochemical difference between lysine and arginine.